The following is an entry in ClinVar:

ClinVar aggregate classification (germline): Likely benign (1 of 4 stars; one submission).

Allele frequency attached by ClinVar (database versions not stated): gnomAD exomes 0.00117; ExAC 0.00165; ESP Exome Variant Server 0.00324; gnomAD 0.00434; 1000 Genomes Project 0.00439; 1000 Genomes Project 30x 0.00468; TOPMed 0.00540.
gnomAD v4.1: 2,484 of 1,607,278 alleles (0.15%); highest among the groups gnomAD compares: Middle Eastern, 0.83%; 16 homozygotes.

Submission:

CeGaT Center for Human Genetics Tuebingen
Classification: Likely benign. Last evaluated: 2022-09-01. Review status: criteria provided, single submitter. Criteria: CeGaT Center For Human Genetics Tuebingen Variant Classification Criteria Version 2. Collection method: clinical testing. Allele origin: germline. Affected: yes. Observed: 1 variant allele.
Comment: ADAM18: BP4, BS2

NM_014237.3(ADAM18):c.367A>C (p.Ile123Leu)

Gene: ADAM18 (ADAM metallopeptidase domain 18; plus strand). Cytogenetic location: 8p11.22.
Variant type: single nucleotide variant.
Coding change: c.367A>C on transcript NM_014237.3 (MANE Select); coding-DNA position 367, A replaced by C.
Protein change: p.Ile123Leu; replaces isoleucine 123 with leucine.
Molecular consequence: missense variant.
Genome position (GRCh38, 1-based): chr8:39,610,551, A>C. VCF-style: chr8-39610551-A-C. GRCh37 (hg19) VCF-style: chr8-39468070-A-C.
Other names: c.367A>C, p.Ile123Leu (NM_001190956.2, NM_001320313.2); short protein forms I123L.
Identifiers: ClinVar variation 2658565 (VCV002658565.24), dbSNP rs139114737, ClinGen allele CA4723048.